The following is an entry in ClinVar:

NM_000092.5(COL4A4):c.1514C>T (p.Pro505Leu)

Gene: COL4A4 (collagen type IV alpha 4 chain; minus strand). Cytogenetic location: 2q36.3.
Variant type: single nucleotide variant.
Coding change: c.1514C>T on transcript NM_000092.5 (MANE Select); coding-DNA position 1514, C replaced by T.
Protein change: p.Pro505Leu; replaces proline 505 with leucine.
Molecular consequence: missense variant.
Genome position (GRCh38, 1-based): chr2:227,088,762, G>A on the plus strand (C>T on the coding strand, the complement: COL4A4 is on the minus strand). VCF-style: chr2-227088762-G-A. GRCh37 (hg19) VCF-style: chr2-227953478-G-A.
Other names: short protein forms P505L.
Identifiers: ClinVar variation 3728628 (VCV003728628.2).

ClinVar aggregate classification (germline): Uncertain significance (1 of 4 stars; one submission).

gnomAD v4.1: 30 of 1,613,966 alleles (0.0019%); highest among the groups gnomAD compares: Non-Finnish European, 0.0024%; no homozygotes.

Submission:

Labcorp Genetics (formerly Invitae), Labcorp
Classification: Uncertain significance. Last evaluated: 2024-04-29. Review status: criteria provided, single submitter. Criteria: Invitae Variant Classification Sherloc (09022015). Collection method: clinical testing. Allele origin: germline.
Comment: This sequence change replaces proline, which is neutral and non-polar, with leucine, which is neutral and non-polar, at codon 505 of the COL4A4 protein (p.Pro505Leu). This variant is present in population databases (rs756912251, gnomAD 0.0009%). This variant has not been reported in the literature in individuals affected with COL4A4-related conditions. Advanced modeling of protein sequence and biophysical properties (such as structural, functional, and spatial information, amino acid conservation, physicochemical variation, residue mobility, and thermodynamic stability) has been performed at Invitae for this missense variant, however the output from this modeling did not meet the statistical confidence thresholds required to predict the impact of this variant on COL4A4 protein function. In summary, the available evidence is currently insufficient to determine the role of this variant in disease. Therefore, it has been classified as a Variant of Uncertain Significance.